The following is an entry in ClinVar:

NM_001267550.2(TTN):c.36119-33A>C

Gene: TTN (titin; minus strand). Cytogenetic location: 2q31.2.
Variant type: single nucleotide variant.
Coding change: c.36119-33A>C on transcript NM_001267550.2 (MANE Select); 33 bases into the intron before coding-DNA position 36119, A replaced by C.
Molecular consequence: intron variant.
Genome position (GRCh38, 1-based): chr2:178,664,770, T>G on the plus strand (A>C on the coding strand, the complement: TTN is on the minus strand). VCF-style: chr2-178664770-T-G. GRCh37 (hg19) VCF-style: chr2-179529497-T-G.
Other names: c.13283-22453A>C (NM_003319.4); c.13859-22453A>C (NM_133437.4); c.13658-22453A>C (NM_133432.3); c.31484-1715A>C (NM_133378.4); c.34265-1715A>C (NM_001256850.1).
Identifiers: ClinVar variation 1291565 (VCV001291565.5), dbSNP rs2742353, ClinGen allele CA1997650.

ClinVar aggregate classification (germline): Benign. Review status: criteria provided, multiple submitters, no conflicts (2 of 4 stars). 3 submissions from 3 submitters: Benign (3). Last evaluated 2026-01-31.

Conditions:
Dilated cardiomyopathy 1G (CMD1G). Identifiers: Orphanet 154, MedGen C1858763, MONDO:0011400, OMIM 604145.
Autosomal recessive limb-girdle muscular dystrophy type 2J (LGMDR10). Also called: MUSCULAR DYSTROPHY, LIMB-GIRDLE, AUTOSOMAL RECESSIVE 10; Limb-girdle muscular dystrophy, type 2J. Identifiers: Orphanet 140922, MedGen C1837342, MONDO:0012127, OMIM 608807.

Allele frequency attached by ClinVar (database versions not stated): ESP Exome Variant Server 0.01709; TOPMed 0.02099; gnomAD 0.02192 and 0.02323; gnomAD exomes 0.03316; ExAC 0.03431; 1000 Genomes Project 30x 0.03482; 1000 Genomes Project 0.03694.
gnomAD v4.1: 41,447 of 1,611,102 alleles (2.6%); highest among the groups gnomAD compares: East Asian, 9.2%; 745 homozygotes.

Submissions (3):

Labcorp Genetics (formerly Invitae), Labcorp
Classification: Benign for Dilated cardiomyopathy 1G; Autosomal recessive limb-girdle muscular dystrophy type 2J. Last evaluated: 2026-01-31. Review status: criteria provided, single submitter. Criteria: Invitae Variant Classification Sherloc (09022015). Collection method: clinical testing. Allele origin: germline.

GeneDx
Classification: Benign. Last evaluated: 2018-06-26. Review status: criteria provided, single submitter. Criteria: GeneDx Variant Classification Process June 2021. Collection method: clinical testing. Allele origin: germline. Affected: yes.
Comment: This variant is associated with the following publications: (PMID: 28797094)

Breakthrough Genomics
Classification: Benign. Review status: criteria provided, single submitter. Criteria: ACMG Guidelines, 2015. Collection method: not provided. Allele origin: germline. Inheritance: Autosomal recessive inheritance. Affected: yes.